The following is an entry in ClinVar:

ClinVar aggregate classification (germline): Benign/Likely benign. Review status: criteria provided, multiple submitters, no conflicts (2 of 4 stars). 5 submissions from 5 submitters: Benign (2); Likely benign (2). 1 of the submissions does not count toward it. Last evaluated 2024-11-21.

Conditions:
HIRA-related disorder.

Allele frequency attached by ClinVar (database versions not stated): 1000 Genomes Project 30x 0.00187; 1000 Genomes Project 0.00200; gnomAD 0.00325; TOPMed 0.00331; ESP Exome Variant Server 0.00377.
gnomAD v4.1: 2,263 of 1,614,206 alleles (0.14%); highest among the groups gnomAD compares: African/African-American, 0.99%; 4 homozygotes.

Submissions (5):

Blueprint Genetics
Classification: Likely benign. Last evaluated: 2024-11-21. Review status: criteria provided, single submitter. Criteria: ACMG Guidelines, 2015. Collection method: clinical testing. Allele origin: germline.

CeGaT Center for Human Genetics Tuebingen
Classification: Likely benign. Last evaluated: 2022-12-01. Review status: criteria provided, single submitter. Criteria: CeGaT Center For Human Genetics Tuebingen Variant Classification Criteria Version 2. Collection method: clinical testing. Allele origin: germline. Affected: yes. Observed: 1 variant allele.
Comment: HIRA: BP4, BP7

Labcorp Genetics (formerly Invitae), Labcorp
Classification: Benign. Last evaluated: 2019-12-31. Review status: criteria provided, single submitter. Criteria: Invitae Variant Classification Sherloc (09022015). Collection method: clinical testing. Allele origin: germline.

Breakthrough Genomics
Classification: Benign. Review status: criteria provided, single submitter. Criteria: ACMG Guidelines, 2015. Collection method: not provided. Allele origin: germline. Inheritance: Unknown mechanism. Affected: yes.

PreventionGenetics, part of Exact Sciences
Classification: Benign for HIRA-related condition. Last evaluated: 2019-06-07. Review status: no assertion criteria provided. Collection method: clinical testing. Allele origin: germline. Not counted in ClinVar's aggregate classification.
Comment: This variant is classified as benign based on ACMG/AMP sequence variant interpretation guidelines (Richards et al. 2015 PMID: 25741868, with internal and published modifications).

NM_003325.4(HIRA):c.609G>A (p.Thr203=)

Gene: HIRA (histone cell cycle regulator; minus strand). Cytogenetic location: 22q11.21.
Variant type: single nucleotide variant.
Coding change: c.609G>A on transcript NM_003325.4 (MANE Select); coding-DNA position 609, G replaced by A.
Protein change: p.Thr203=; no amino-acid change (threonine 203 retained).
Molecular consequence: synonymous variant.
Genome position (GRCh38, 1-based): chr22:19,396,832, C>T on the plus strand (G>A on the coding strand, the complement: HIRA is on the minus strand). VCF-style: chr22-19396832-C-T. GRCh37 (hg19) VCF-style: chr22-19384355-C-T.
Identifiers: ClinVar variation 710905 (VCV000710905.31), dbSNP rs9618556, ClinGen allele CA10099897.